The following is an entry in ClinVar:

ClinVar aggregate classification (germline): Uncertain significance (1 of 4 stars; one submission).

Submission:

Ambry Genetics
Classification: Uncertain significance. Last evaluated: 2024-05-22. Review status: criteria provided, single submitter. Criteria: Ambry Variant Classification Scheme 2023. Collection method: clinical testing. Allele origin: germline.
Comment: The p.K1198N variant (also known as c.3594G>C), located in coding exon 5 of the MLH3 gene, results from a G to C substitution at nucleotide position 3594. The lysine at codon 1198 is replaced by asparagine, an amino acid with similar properties. This amino acid position is conserved. In addition, the in silico prediction for this alteration is inconclusive. Based on the available evidence, the clinical significance of this variant remains unclear.

NM_001040108.2(MLH3):c.3594G>C (p.Lys1198Asn)

Gene: MLH3 (mutL homolog 3; minus strand). Cytogenetic location: 14q24.3.
Variant type: single nucleotide variant.
Coding change: c.3594G>C on transcript NM_001040108.2 (MANE Select); coding-DNA position 3594, G replaced by C.
Protein change: p.Lys1198Asn; replaces lysine 1198 with asparagine.
Molecular consequence: missense variant.
Genome position (GRCh38, 1-based): chr14:75,038,389, C>G on the plus strand (G>C on the coding strand, the complement: MLH3 is on the minus strand). VCF-style: chr14-75038389-C-G. GRCh37 (hg19) VCF-style: chr14-75505092-C-G.
Other names: c.3594G>C, p.Lys1198Asn (NM_014381.3); short protein forms K1198N.
Identifiers: ClinVar variation 3295146 (VCV003295146.1).